The following is an entry in ClinVar:

ClinVar aggregate classification (germline): Likely benign. Review status: criteria provided, multiple submitters, no conflicts (2 of 4 stars). 2 submissions from 2 submitters: Likely benign (2). Last evaluated 2025-04-07.

Conditions:
Cardiovascular phenotype. Identifiers: MedGen CN230736.

Submissions (2):

Ambry Genetics
Classification: Likely benign for Cardiovascular phenotype. Last evaluated: 2025-04-07. Review status: criteria provided, single submitter. Criteria: Ambry Variant Classification Scheme 2023. Collection method: clinical testing. Allele origin: germline.

GeneDx
Classification: Likely benign. Last evaluated: 2018-03-23. Review status: criteria provided, single submitter. Criteria: GeneDx Variant Classification (06012015). Collection method: clinical testing. Allele origin: germline. Affected: yes.
Comment: This variant is considered likely benign or benign based on one or more of the following criteria: it is a conservative change, it occurs at a poorly conserved position in the protein, it is predicted to be benign by multiple in silico algorithms, and/or has population frequency not consistent with disease.

NM_001267550.2(TTN):c.80881_80882delinsAA (p.Ala26961Lys)

Genes: TTN (titin; minus strand), TTN-AS1 (TTN antisense RNA 1; plus strand). Cytogenetic location: 2q31.2.
Variant type: Indel.
Coding change: c.80881_80882delinsAA on transcript NM_001267550.2 (MANE Select); coding-DNA positions 80881 to 80882, GC replaced by AA.
Protein change: p.Ala26961Lys; replaces alanine 26961 with lysine.
Molecular consequence: missense variant.
Genome position (GRCh38, 1-based): chr2:178,565,250-178,565,251, GC replaced by TT on the plus strand (GC replaced by AA on the coding strand, the reverse complement: TTN is on the minus strand). VCF-style: chr2-178565250-GC-TT. GRCh37 (hg19) VCF-style: chr2-179429977-GC-TT.
Other names: c.75958_75959delinsAA, p.Ala25320Lys (NM_001256850.1); c.53686_53687delinsAA, p.Ala17896Lys (NM_003319.4); c.73177_73178delinsAA, p.Ala24393Lys (NM_133378.4); c.54061_54062delinsAA, p.Ala18021Lys (NM_133432.3); c.54262_54263delinsAA, p.Ala18088Lys (NM_133437.4); c.75958_75959delGCinsAA (NM_001256850.1); c.53686_53687delGCinsAA (NM_003319.4); short protein forms A24393K, A25320K, A17896K, A18021K, A18088K, A26961K.
Identifiers: ClinVar variation 681174 (VCV000681174.4), dbSNP rs1575668982, ClinGen allele CA915942172.
Genomic context (GRCh38, chr2:178,565,250, plus strand): 5'-CGAACTGGGCCAACTGGAGGTCCAGGCTTTTCTAAAACGATAACACTGAGATTTTCTGTT[GC>TT]TGTGCCTGCACTATTTGTTGCCGTTACGGTGTATTTTCCAAAGTCATCTTTGTTACCTTC-3'
Protein context (NP_001254479.2, residues 26951-26971): TVTATNSAGT[Ala26961Lys]TENLSVIVLE